The following is an entry in ClinVar:

ClinVar aggregate classification (germline): Uncertain significance (1 of 4 stars; one submission).

Allele frequency attached by ClinVar (database versions not stated): TOPMed 0.00001.
gnomAD v4.1: 3 of 1,614,036 alleles (0.00019%); highest among the groups gnomAD compares: Non-Finnish European, 0.00017%; no homozygotes.

Submission:

Labcorp Genetics (formerly Invitae), Labcorp
Classification: Uncertain significance. Last evaluated: 2024-05-23. Review status: criteria provided, single submitter. Criteria: Invitae Variant Classification Sherloc (09022015). Collection method: clinical testing. Allele origin: germline.
Comment: This sequence change replaces threonine, which is neutral and polar, with asparagine, which is neutral and polar, at codon 1188 of the FN1 protein (p.Thr1188Asn). This variant is not present in population databases (gnomAD no frequency). This variant has not been reported in the literature in individuals affected with FN1-related conditions. Advanced modeling of protein sequence and biophysical properties (such as structural, functional, and spatial information, amino acid conservation, physicochemical variation, residue mobility, and thermodynamic stability) performed at Invitae indicates that this missense variant is not expected to disrupt FN1 protein function with a negative predictive value of 80%. In summary, the available evidence is currently insufficient to determine the role of this variant in disease. Therefore, it has been classified as a Variant of Uncertain Significance.

NM_212482.4(FN1):c.3563C>A (p.Thr1188Asn)

Gene: FN1 (fibronectin 1; minus strand). Cytogenetic location: 2q35.
Variant type: single nucleotide variant.
Coding change: c.3563C>A on transcript NM_212482.4 (MANE Select); coding-DNA position 3563, C replaced by A.
Protein change: p.Thr1188Asn; replaces threonine 1188 with asparagine.
Molecular consequence: missense variant.
Genome position (GRCh38, 1-based): chr2:215,397,178, G>T on the plus strand (C>A on the coding strand, the complement: FN1 is on the minus strand). VCF-style: chr2-215397178-G-T. GRCh37 (hg19) VCF-style: chr2-216261901-G-T.
Other names: c.3563C>A, p.Thr1188Asn (NM_001365517.2, NM_001365518.2, NM_001365519.2 and 13 more transcripts); short protein forms T1188N.
Identifiers: ClinVar variation 2984339 (VCV002984339.3), dbSNP rs1350920539, ClinGen allele CA350487013.